The following is an entry in ClinVar:

ClinVar aggregate classification (germline): Uncertain significance (1 of 4 stars; one submission).

Conditions:
Encephalopathy, progressive, early-onset, with episodic rhabdomyolysis. Identifiers: MedGen C5193033, MONDO:0032681, OMIM 618331.

Submission:

Laboratorio de Genetica e Diagnostico Molecular, Hospital Israelita Albert Einstein
Classification: Uncertain significance for Encephalopathy, progressive, early-onset, with episodic rhabdomyolysis. Last evaluated: 2022-11-19. Review status: criteria provided, single submitter. Criteria: ACMG Guidelines, 2015. Collection method: clinical testing. Allele origin: germline. Affected: yes.
Comment: ACMG classification criteria: PM2 moderated, PP3 supporting

NM_001318525.2(TRAPPC2L):c.33+5G>A

Gene: TRAPPC2L (trafficking protein particle complex subunit 2L; plus strand). Cytogenetic location: 16q24.3.
Variant type: single nucleotide variant.
Coding change: c.33+5G>A on transcript NM_001318525.2 (MANE Select); 5 bases into the intron after coding-DNA position 33, G replaced by A.
Molecular consequence: intron variant.
Genome position (GRCh38, 1-based): chr16:88,857,188, G>A. VCF-style: chr16-88857188-G-A. GRCh37 (hg19) VCF-style: chr16-88923596-G-A.
Other names: c.33+5G>A (NM_001318524.2, NM_016209.5); c.-377+5G>A (NM_001318527.2, NM_001318529.2, NM_001318532.2); c.-35+5G>A (NM_001318528.2, NM_001318530.2); c.-63+5G>A (NM_001318526.2).
Identifiers: ClinVar variation 2431365 (VCV002431365.2), dbSNP rs2543665538, ClinGen allele CA2580092236.